The following is an entry in ClinVar:

ClinVar aggregate classification (germline): Uncertain significance (1 of 4 stars; one submission).

Submission:

Labcorp Genetics (formerly Invitae), Labcorp
Classification: Uncertain significance. Last evaluated: 2024-08-20. Review status: criteria provided, single submitter. Criteria: Invitae Variant Classification Sherloc (09022015). Collection method: clinical testing. Allele origin: germline.
Comment: This sequence change replaces aspartic acid, which is acidic and polar, with glycine, which is neutral and non-polar, at codon 352 of the MECOM protein (p.Asp352Gly). This variant is not present in population databases (gnomAD no frequency). This variant has not been reported in the literature in individuals affected with MECOM-related conditions. An algorithm developed to predict the effect of missense changes on protein structure and function (PolyPhen-2) suggests that this variant is likely to be disruptive. In summary, the available evidence is currently insufficient to determine the role of this variant in disease. Therefore, it has been classified as a Variant of Uncertain Significance.

NM_004991.4(MECOM):c.1619A>G (p.Asp540Gly)

Gene: MECOM (MDS1 and EVI1 complex locus; minus strand). Cytogenetic location: 3q26.2.
Variant type: single nucleotide variant.
Coding change: c.1619A>G on transcript NM_004991.4 (MANE Select); coding-DNA position 1619, A replaced by G.
Protein change: p.Asp540Gly; replaces aspartic acid 540 with glycine.
Molecular consequence: missense variant. On other transcripts: intron variant (2).
Genome position (GRCh38, 1-based): chr3:169,116,253, T>C on the plus strand (A>G on the coding strand, the complement: MECOM is on the minus strand). VCF-style: chr3-169116253-T-C. GRCh37 (hg19) VCF-style: chr3-168834041-T-C.
Other names: c.1250A>G, p.Asp417Gly (NM_001105077.4); c.1055A>G, p.Asp352Gly (NM_001105078.4, NM_001164000.2, NM_001205194.2 and 4 more transcripts); c.1058A>G, p.Asp353Gly (NM_001163999.2, NM_001366467.2, NM_001366468.2 and 1 more transcripts); c.1619A>G, p.Asp540Gly (NM_001366466.2); c.1133-486A>G (NM_001366473.2); c.569-486A>G (NM_001366474.2); short protein forms D353G, D417G, D540G, D352G.
Identifiers: ClinVar variation 3658997 (VCV003658997.2).
Genomic context (GRCh38, chr3:169,116,253, plus strand): 5'-TGGAGCTCCACTGGCTTATTGTCCCCTACAGATGGGTGTTTAGATAGTGCCTTCAAAATA[T>C]CCTGTGTAGCTGGCAGTATCTGAGGATGTGTCATGAGGGGACTTTGACTTTTGTTTGTCT-3'
Protein context (NP_004982.2, residues 530-550): THPQILPATQ[Asp540Gly]ILKALSKHPS